The following is an entry in ClinVar:

ClinVar aggregate classification (germline): Uncertain significance (1 of 4 stars; one submission).

Allele frequency attached by ClinVar (database versions not stated): TOPMed 0.00001; gnomAD 0.00003; ExAC 0.00001.
gnomAD v4.1: 16 of 1,613,550 alleles (0.00099%); highest among the groups gnomAD compares: Non-Finnish European, 0.0012%; no homozygotes.

Submission:

Labcorp Genetics (formerly Invitae), Labcorp
Classification: Uncertain significance. Last evaluated: 2025-06-02. Review status: criteria provided, single submitter. Criteria: Invitae Variant Classification Sherloc (09022015). Collection method: clinical testing. Allele origin: germline.
Comment: This sequence change replaces arginine, which is basic and polar, with tryptophan, which is neutral and slightly polar, at codon 420 of the TIMM50 protein (p.Arg420Trp). This variant is present in population databases (rs778663428, gnomAD 0.003%). This variant has not been reported in the literature in individuals affected with TIMM50-related conditions. ClinVar contains an entry for this variant (Variation ID: 1970838). An algorithm developed to predict the effect of missense changes on protein structure and function (PolyPhen-2) suggests that this variant is likely to be disruptive. In summary, the available evidence is currently insufficient to determine the role of this variant in disease. Therefore, it has been classified as a Variant of Uncertain Significance.

NM_001001563.5(TIMM50):c.949C>T (p.Arg317Trp)

Gene: TIMM50 (translocase of inner mitochondrial membrane 50; plus strand). Cytogenetic location: 19q13.2.
Variant type: single nucleotide variant.
Coding change: c.949C>T on transcript NM_001001563.5 (MANE Select); coding-DNA position 949, C replaced by T.
Protein change: p.Arg317Trp; replaces arginine 317 with tryptophan.
Molecular consequence: missense variant.
Genome position (GRCh38, 1-based): chr19:39,488,634, C>T. VCF-style: chr19-39488634-C-T. GRCh37 (hg19) VCF-style: chr19-39979274-C-T.
Other names: c.610C>T, p.Arg204Trp (NM_001329559.2); short protein forms R204W, R317W.
Identifiers: ClinVar variation 1970838 (VCV001970838.5), dbSNP rs778663428, ClinGen allele CA9432018.